The following is an entry in ClinVar:

ClinVar aggregate classification (germline): Uncertain significance. Review status: criteria provided, multiple submitters, no conflicts (2 of 4 stars). 2 submissions from 2 submitters: Uncertain significance (2). Last evaluated 2024-01-09.

Conditions:
Early-infantile DEE. Also called: Early infantile epileptic encephalopathy; Ohtahara syndrome; Early infantile epileptic encephalopathy with suppression bursts. Identifiers: Orphanet 1934, MedGen C0393706, MONDO:0800491.

Allele frequency attached by ClinVar (database versions not stated): gnomAD exomes below 0.00001.
gnomAD v4.1: 1 of 1,613,954 alleles (0.000062%); highest among the groups gnomAD compares: Non-Finnish European, 0.000085%; no homozygotes.

Submissions (2):

GeneDx
Classification: Uncertain significance. Last evaluated: 2024-01-09. Review status: criteria provided, single submitter. Criteria: GeneDx Variant Classification Process June 2021. Collection method: clinical testing. Allele origin: germline. Affected: yes.
Comment: Not observed at significant frequency in large population cohorts (gnomAD); In silico analysis supports that this missense variant does not alter protein structure/function; Has not been previously published as pathogenic or benign to our knowledge

Labcorp Genetics (formerly Invitae), Labcorp
Classification: Uncertain significance for Early-infantile DEE. Last evaluated: 2021-09-15. Review status: criteria provided, single submitter. Criteria: Invitae Variant Classification Sherloc (09022015). Collection method: clinical testing. Allele origin: germline.
Comment: This sequence change replaces isoleucine with valine at codon 600 of the HCN1 protein (p.Ile600Val). The isoleucine residue is highly conserved and there is a small physicochemical difference between isoleucine and valine. In summary, the available evidence is currently insufficient to determine the role of this variant in disease. Therefore, it has been classified as a Variant of Uncertain Significance. Advanced modeling of protein sequence and biophysical properties (such as structural, functional, and spatial information, amino acid conservation, physicochemical variation, residue mobility, and thermodynamic stability) performed at Invitae indicates that this missense variant is not expected to disrupt HCN1 protein function. This variant has not been reported in the literature in individuals affected with HCN1-related conditions. This variant is not present in population databases (ExAC no frequency).

NM_021072.4(HCN1):c.1798A>G (p.Ile600Val)

Gene: HCN1 (hyperpolarization activated cyclic nucleotide gated potassium channel 1; minus strand). Cytogenetic location: 5p12.
Variant type: single nucleotide variant.
Coding change: c.1798A>G on transcript NM_021072.4 (MANE Select); coding-DNA position 1798, A replaced by G.
Protein change: p.Ile600Val; replaces isoleucine 600 with valine.
Molecular consequence: missense variant.
Genome position (GRCh38, 1-based): chr5:45,262,796, T>C on the plus strand (A>G on the coding strand, the complement: HCN1 is on the minus strand). VCF-style: chr5-45262796-T-C. GRCh37 (hg19) VCF-style: chr5-45262898-T-C.
Other names: c.1798A>G (NM_021072.3); short protein forms I600V.
Identifiers: ClinVar variation 1439700 (VCV001439700.8), dbSNP rs2111840202, ClinGen allele CA359704784.